The following is an entry in ClinVar:

NM_173354.5(SIK1):c.110A>C (p.Asn37Thr)

Gene: SIK1 (salt inducible kinase 1; minus strand). Cytogenetic location: 21q22.3.
Variant type: single nucleotide variant.
Coding change: c.110A>C on transcript NM_173354.5 (MANE Select); coding-DNA position 110, A replaced by C.
Protein change: p.Asn37Thr; replaces asparagine 37 with threonine.
Molecular consequence: missense variant.
Genome position (GRCh38, 1-based): chr21:43,426,069, T>G on the plus strand (A>C on the coding strand, the complement: SIK1 is on the minus strand). VCF-style: chr21-43426069-T-G. GRCh37 (hg19) VCF-style: chr21-44845949-T-G.
Other names: short protein forms N37T.
Identifiers: ClinVar variation 2168657 (VCV002168657.4), dbSNP rs745765710, ClinGen allele CA410610993.

ClinVar aggregate classification (germline): Uncertain significance (1 of 4 stars; one submission).

Conditions:
Developmental and epileptic encephalopathy, 30 (DEE30). Also called: Epileptic encephalopathy, early infantile, 30. Identifiers: MedGen C4225360, MONDO:0014595, OMIM 616341.

Submission:

Labcorp Genetics (formerly Invitae), Labcorp
Classification: Uncertain significance for Developmental and epileptic encephalopathy, 30. Last evaluated: 2024-07-18. Review status: criteria provided, single submitter. Criteria: Invitae Variant Classification Sherloc (09022015). Collection method: clinical testing. Allele origin: germline.
Comment: This sequence change replaces asparagine, which is neutral and polar, with threonine, which is neutral and polar, at codon 37 of the SIK1 protein (p.Asn37Thr). This variant is not present in population databases (gnomAD no frequency). This variant has not been reported in the literature in individuals affected with SIK1-related conditions. ClinVar contains an entry for this variant (Variation ID: 2168657). An algorithm developed to predict the effect of missense changes on protein structure and function (PolyPhen-2) suggests that this variant is likely to be disruptive. In summary, the available evidence is currently insufficient to determine the role of this variant in disease. Therefore, it has been classified as a Variant of Uncertain Significance.